The following is an entry in ClinVar:

ClinVar aggregate classification (germline): Likely pathogenic (1 of 4 stars; one submission).

Conditions:
Metachromatic leukodystrophy (MLD). Also called: SULFATIDE LIPIDOSIS; ARSA DEFICIENCY; CEREBROSIDE SULFATASE DEFICIENCY; METACHROMATIC LEUKOENCEPHALOPATHY; Cerebral sclerosis diffuse metachromatic form; Arylsulfatase A Deficiency. Identifiers: Orphanet 512, MedGen C0023522, MONDO:0018868, OMIM 250100.

Submission:

Labcorp Genetics (formerly Invitae), Labcorp
Classification: Likely pathogenic for Metachromatic leukodystrophy. Last evaluated: 2022-11-29. Review status: criteria provided, single submitter. Criteria: Invitae Variant Classification Sherloc (09022015). Collection method: clinical testing. Allele origin: germline.
Comment: In summary, the currently available evidence indicates that the variant is pathogenic, but additional data are needed to prove that conclusively. Therefore, this variant has been classified as Likely Pathogenic. Advanced modeling of protein sequence and biophysical properties (such as structural, functional, and spatial information, amino acid conservation, physicochemical variation, residue mobility, and thermodynamic stability) performed at Invitae indicates that this missense variant is expected to disrupt ARSA protein function. ClinVar contains an entry for this variant (Variation ID: 526830). This missense change has been observed in individual(s) with ARSA-related conditions (Invitae). This variant is not present in population databases (gnomAD no frequency). This sequence change replaces serine, which is neutral and polar, with proline, which is neutral and non-polar, at codon 227 of the ARSA protein (p.Ser227Pro).

NM_000487.6(ARSA):c.679T>C (p.Ser227Pro)

Gene: ARSA (arylsulfatase A; minus strand). Cytogenetic location: 22q13.33.
Variant type: single nucleotide variant.
Coding change: c.679T>C on transcript NM_000487.6 (MANE Select); coding-DNA position 679, T replaced by C.
Protein change: p.Ser227Pro; replaces serine 227 with proline.
Molecular consequence: missense variant.
Genome position (GRCh38, 1-based): chr22:50,626,839, A>G on the plus strand (T>C on the coding strand, the complement: ARSA is on the minus strand). VCF-style: chr22-50626839-A-G. GRCh37 (hg19) VCF-style: chr22-51065267-A-G.
Other names: c.679T>C, p.Ser227Pro (NM_001085425.3, NM_001085426.3, NM_001085427.3); c.421T>C, p.Ser141Pro (NM_001085428.3, NM_001362782.2); short protein forms S227P, S141P.
Identifiers: ClinVar variation 526830 (VCV000526830.8), dbSNP rs1555900849, ClinGen allele CA412176900.
Genomic context (GRCh38, chr22:50,626,839, plus strand): 5'-GTTAGCACTGGGTAGGGGTCACGGGCAGCCAGGGGGTTGGGCCAAGATCACTTACGTGAG[A>G]GGCATAGTACAGGAAGAAGGGGCGATCCTGGCGCTGGGCGTCGGCCATGAGGTCATGGGC-3'
Protein context (NP_000478.3, residues 217-237): QDRPFFLYYA[Ser227Pro]HHTHYPQFSG